The following is an entry in ClinVar:

NM_006393.3(NEBL):c.1636C>T (p.Leu546Phe)

Gene: NEBL (nebulette; minus strand). Cytogenetic location: 10p12.31.
Variant type: single nucleotide variant.
Coding change: c.1636C>T on transcript NM_006393.3 (MANE Select); coding-DNA position 1636, C replaced by T.
Protein change: p.Leu546Phe; replaces leucine 546 with phenylalanine.
Molecular consequence: missense variant. On other transcripts: intron variant (9).
Genome position (GRCh38, 1-based): chr10:20,831,231, G>A on the plus strand (C>T on the coding strand, the complement: NEBL is on the minus strand). VCF-style: chr10-20831231-G-A. GRCh37 (hg19) VCF-style: chr10-21120160-G-A.
Other names: c.250-18291C>T (NM_001377326.1, NM_001377327.1, NM_001377328.1); c.358-18291C>T (NM_213569.2, NM_001173484.2, NM_001377322.1); c.301-18291C>T (NM_001377324.1); c.292-18291C>T (NM_001377325.1); c.310-18291C>T (NM_001377323.1); short protein forms L546F.
Identifiers: ClinVar variation 1938321 (VCV001938321.5), dbSNP rs2491770915, ClinGen allele CA376097109.

ClinVar aggregate classification (germline): Uncertain significance (1 of 4 stars; one submission).

Conditions:
Primary dilated cardiomyopathy (DCM). Also called: Dilated Cardiomyopathy. Identifiers: Orphanet 217604, MedGen C0007193, MeSH D002311, MONDO:0005021, HP:0001644. Inheritance: Various modes of inheritance.

Submission:

Labcorp Genetics (formerly Invitae), Labcorp
Classification: Uncertain significance for Primary dilated cardiomyopathy. Last evaluated: 2021-12-23. Review status: criteria provided, single submitter. Criteria: Invitae Variant Classification Sherloc (09022015). Collection method: clinical testing. Allele origin: germline.
Comment: This sequence change replaces leucine, which is neutral and non-polar, with phenylalanine, which is neutral and non-polar, at codon 546 of the NEBL protein (p.Leu546Phe). This variant is not present in population databases (gnomAD no frequency). This variant has not been reported in the literature in individuals affected with NEBL-related conditions. Algorithms developed to predict the effect of missense changes on protein structure and function are either unavailable or do not agree on the potential impact of this missense change (SIFT: "Tolerated"; PolyPhen-2: "Possibly Damaging"; Align-GVGD: "Class C0"). In summary, the available evidence is currently insufficient to determine the role of this variant in disease. Therefore, it has been classified as a Variant of Uncertain Significance.